The following is an entry in ClinVar:

NM_000318.3(PEX2):c.866G>A (p.Ser289Asn)

Gene: PEX2 (peroxisomal biogenesis factor 2; minus strand). Cytogenetic location: 8q21.13.
Variant type: single nucleotide variant.
Coding change: c.866G>A on transcript NM_000318.3 (MANE Select); coding-DNA position 866, G replaced by A.
Protein change: p.Ser289Asn; replaces serine 289 with asparagine.
Molecular consequence: missense variant.
Genome position (GRCh38, 1-based): chr8:76,983,313, C>T on the plus strand (G>A on the coding strand, the complement: PEX2 is on the minus strand). VCF-style: chr8-76983313-C-T. GRCh37 (hg19) VCF-style: chr8-77895549-C-T.
Other names: c.866G>A, p.Ser289Asn (NM_001079867.2, NM_001172086.2, NM_001172087.2); short protein forms S289N.
Identifiers: ClinVar variation 1948863 (VCV001948863.5), dbSNP rs2487449927, ClinGen allele CA371556393.

ClinVar aggregate classification (germline): Uncertain significance (1 of 4 stars; one submission).

Conditions:
Peroxisome biogenesis disorder 5A (Zellweger) (PBD5A). Identifiers: Orphanet 912, MedGen C3553940, MONDO:0013932, OMIM 614866.

Submission:

Labcorp Genetics (formerly Invitae), Labcorp
Classification: Uncertain significance for Peroxisome biogenesis disorder 5A (Zellweger). Last evaluated: 2021-12-30. Review status: criteria provided, single submitter. Criteria: Invitae Variant Classification Sherloc (09022015). Collection method: clinical testing. Allele origin: germline.
Comment: This sequence change replaces serine, which is neutral and polar, with asparagine, which is neutral and polar, at codon 289 of the PEX2 protein (p.Ser289Asn). This variant is not present in population databases (gnomAD no frequency). This variant has not been reported in the literature in individuals affected with PEX2-related conditions. Algorithms developed to predict the effect of missense changes on protein structure and function output the following: SIFT: "Tolerated"; PolyPhen-2: "Benign"; Align-GVGD: "Class C0". The asparagine amino acid residue is found in multiple mammalian species, which suggests that this missense change does not adversely affect protein function. In summary, the available evidence is currently insufficient to determine the role of this variant in disease. Therefore, it has been classified as a Variant of Uncertain Significance.